The following is an entry in ClinVar:

NM_014694.4(ADAMTSL2):c.1230C>T (p.Ala410=)

Gene: ADAMTSL2 (ADAMTS like 2; plus strand). Cytogenetic location: 9q34.2.
Variant type: single nucleotide variant.
Coding change: c.1230C>T on transcript NM_014694.4 (MANE Select); coding-DNA position 1230, C replaced by T.
Protein change: p.Ala410=; no amino-acid change (alanine 410 retained).
Molecular consequence: synonymous variant.
Genome position (GRCh38, 1-based): chr9:133,554,647, C>T. VCF-style: chr9-133554647-C-T. GRCh37 (hg19) VCF-style: chr9-136419769-C-T.
Other names: c.1230C>T, p.Ala410= (NM_001145320.2).
Identifiers: ClinVar variation 365591 (VCV000365591.8), dbSNP rs369962641, ClinGen allele CA5312837.

ClinVar aggregate classification (germline): Benign/Likely benign. Review status: criteria provided, multiple submitters, no conflicts (2 of 4 stars). 4 submissions from 4 submitters: Benign (3); Likely benign (1). Last evaluated 2021-09-01.

Conditions:
Geleophysic dysplasia 1 (GPHYSD1). Also called: Geleophysic dwarfism. Identifiers: Orphanet 2623, MedGen C3278147, MONDO:0009269, OMIM 231050.

Allele frequency attached by ClinVar (database versions not stated): gnomAD exomes 0.00089 and 0.00558; ExAC 0.00210; gnomAD 0.00933 and 0.01009; 1000 Genomes Project 30x 0.00968; TOPMed 0.01034.
gnomAD v4.1: 2,689 of 1,529,394 alleles (0.18%); highest among the groups gnomAD compares: African/African-American, 3.3%; 34 homozygotes.

Submissions (4):

Fulgent Genetics
Classification: Likely benign for Geleophysic dysplasia 1. Last evaluated: 2021-09-01. Review status: criteria provided, single submitter. Criteria: ACMG Guidelines, 2015. Collection method: clinical testing. Allele origin: unknown.

GeneDx
Classification: Benign. Last evaluated: 2020-09-08. Review status: criteria provided, single submitter. Criteria: GeneDx Variant Classification Process June 2021. Collection method: clinical testing. Allele origin: germline. Affected: yes.

Illumina Laboratory Services, Illumina
Classification: Benign for Geleophysic dysplasia 1. Last evaluated: 2018-01-13. Review status: criteria provided, single submitter. Criteria: ICSL Variant Classification Criteria 13 December 2019. Collection method: clinical testing. Allele origin: germline.
Comment: This variant was observed in the ICSL laboratory as part of a predisposition screen in an ostensibly healthy population. It had not been previously curated by ICSL or reported in the Human Gene Mutation Database (HGMD: prior to June 1st, 2018), and was therefore a candidate for classification through an automated scoring system. Utilizing variant allele frequency, disease prevalence and penetrance estimates, and inheritance mode, an automated score was calculated to assess if this variant is too frequent to cause the disease. Based on the score and internal cut-off values, a variant classified as benign is not then subjected to further curation. The score for this variant resulted in a classification of benign for this disease.

Breakthrough Genomics
Classification: Benign. Review status: criteria provided, single submitter. Criteria: ACMG Guidelines, 2015. Collection method: not provided. Allele origin: germline. Inheritance: Autosomal recessive inheritance. Affected: yes.